The following is an entry in ClinVar:

ClinVar aggregate classification (germline): Uncertain significance (1 of 4 stars; one submission).

Conditions:
Spondyloenchondrodysplasia with immune dysregulation (SPENCDI). Also called: COMBINED IMMUNODEFICIENCY WITH AUTOIMMUNITY AND SPONDYLOMETAPHYSEAL DYSPLASIA; ROIFMAN IMMUNOSKELETAL SYNDROME; SPONDYLOENCHONDRODYSPLASIA WITH OR WITHOUT IMMUNE DYSREGULATION. Identifiers: Orphanet 1855, MedGen C1842763, MONDO:0011939, OMIM 607944.

Submission:

Neuberg Centre For Genomic Medicine, NCGM
Classification: Uncertain significance for Spondyloenchondrodysplasia with immune dysregulation. Review status: criteria provided, single submitter. Criteria: ACMG Guidelines, 2015. Collection method: clinical testing. Allele origin: germline. Inheritance: Autosomal recessive inheritance. Affected: yes.
Comment: The missense variant in c.584C>G(p.Ala195Gly) in ACP5 gene has not been reported previously as a pathogenic variant nor as a benign variant, to our knowledge. The p.Ala195Gly variant is novel (not in any individuals) in gnomAD Exomes and 1000 Genomes. The amino acid change p.Ala195Gly in ACP5 is predicted as conserved by GERP++ and PhyloP across 100 vertebrates. The amino acid Ala at position 195 is changed to a Gly changing protein sequence and it might alter its composition and physico-chemical properties. For these reasons, this variant has been classified as Uncertain Significance (VUS).

NM_001611.5(ACP5):c.584C>G (p.Ala195Gly)

Gene: ACP5 (acid phosphatase 5, tartrate resistant; minus strand). Cytogenetic location: 19p13.2.
Variant type: single nucleotide variant.
Coding change: c.584C>G on transcript NM_001611.5 (MANE Select); coding-DNA position 584, C replaced by G.
Protein change: p.Ala195Gly; replaces alanine 195 with glycine.
Molecular consequence: missense variant.
Genome position (GRCh38, 1-based): chr19:11,576,394, G>C on the plus strand (C>G on the coding strand, the complement: ACP5 is on the minus strand). VCF-style: chr19-11576394-G-C. GRCh37 (hg19) VCF-style: chr19-11687209-G-C.
Other names: c.584C>G, p.Ala195Gly (NM_001111034.3, NM_001111035.3, NM_001111036.3 and 1 more transcripts); short protein forms A195G.
Identifiers: ClinVar variation 2585084 (VCV002585084.1), dbSNP rs2512726334, ClinGen allele CA404146581.